The following is an entry in ClinVar:

NM_000053.4(ATP7B):c.707_708insTACCAAGAGACCTTT (p.Pro235_Leu236insPheThrLysArgPro)

Gene: ATP7B (ATPase copper transporting beta; minus strand). Cytogenetic location: 13q14.3.
Variant type: Insertion.
Coding change: c.707_708insTACCAAGAGACCTTT on transcript NM_000053.4 (MANE Select); coding-DNA positions 707 to 708, TACCAAGAGACCTTT inserted.
Protein change: p.Pro235_Leu236insPheThrLysArgPro.
Molecular consequence: inframe insertion.
Genome position: GRCh38 VCF-style: chr13-51974512-T-TAAAGGTCTCTTGGTA. GRCh37 (hg19) VCF-style: chr13-52548648-T-TAAAGGTCTCTTGGTA.
Other names: c.707_708insTACCAAGAGACCTTT, p.Pro235_Leu236insPheThrLysArgPro (NM_001005918.3, NM_001243182.2, NM_001330578.2 and 30 more transcripts); c.611_612insTACCAAGAGACCTTT, p.Pro203_Leu204insPheThrLysArgPro (NM_001406517.1, NM_001406518.1, NM_001406530.1 and 4 more transcripts).
Identifiers: ClinVar variation 4756590 (VCV004756590.1).

ClinVar aggregate classification (germline): Uncertain significance (1 of 4 stars; one submission).

Conditions:
Wilson disease (WND). Also called: Wilson's disease. Identifiers: Orphanet 905, MedGen C0019202, MONDO:0010200, OMIM 277900. Disease mechanism: loss of function.

Submission:

Color Diagnostics, LLC DBA Color Health
Classification: Uncertain significance for Wilson disease. Last evaluated: 2025-09-18. Review status: criteria provided, single submitter. Criteria: ACMG Guidelines, 2015. Collection method: clinical testing. Allele origin: germline.
Comment: This variant causes the in-frame deletion of 2 amino acids and insertion of 5 amino acids in exon 2 of the ATP7B protein. To our knowledge, functional studies have not been reported for this variant. This variant has not been reported in individuals affected with ATP7B-related disorders in the literature. This variant has not been identified in the general population by the Genome Aggregation Database (gnomAD). The available evidence is insufficient to determine the role of this variant in disease conclusively. Therefore, this variant is classified as a Variant of Uncertain Significance.